The following is an entry in ClinVar:

NM_012062.5(DNM1L):c.1909T>C (p.Ser637Pro)

Gene: DNM1L (dynamin 1 like; plus strand). Cytogenetic location: 12p11.21.
Variant type: single nucleotide variant.
Coding change: c.1909T>C on transcript NM_012062.5 (MANE Select); coding-DNA position 1909, T replaced by C.
Protein change: p.Ser637Pro; replaces serine 637 with proline.
Molecular consequence: missense variant.
Genome position (GRCh38, 1-based): chr12:32,740,433, T>C. VCF-style: chr12-32740433-T-C. GRCh37 (hg19) VCF-style: chr12-32893367-T-C.
Other names: c.1876T>C, p.Ser626Pro (NM_001278463.2); c.1948T>C, p.Ser650Pro (NM_001278464.2); c.1915T>C, p.Ser639Pro (NM_001278465.2); c.1300T>C, p.Ser434Pro (NM_001278466.2); c.1837T>C, p.Ser613Pro (NM_001330380.2); c.1798T>C, p.Ser600Pro (NM_005690.5); c.1831T>C, p.Ser611Pro (NM_012063.4); short protein forms S434P, S600P, S611P, S613P, S626P, S637P, S639P, S650P.
Identifiers: ClinVar variation 3774855 (VCV003774855.1).
Genomic context (GRCh38, chr12:32,740,433, plus strand): 5'-CAAAAGTAATATTTTTTCCCCCTCATCCCTATTTAGCCAGTTCCTGTTGCACGAAAACTA[T>C]CTGCTCGGGAACAGCGAGATTGTGAGGTTATTGAACGACTCATTAAATCATATTTTCTCA-3'
Protein context (NP_036192.2, residues 627-647): DVPVPVARKL[Ser637Pro]AREQRDCEVI

ClinVar aggregate classification (germline): Uncertain significance (1 of 4 stars; one submission).

Submission:

GeneDx
Classification: Uncertain significance. Last evaluated: 2024-09-26. Review status: criteria provided, single submitter. Criteria: GeneDx Variant Classification Process June 2021. Collection method: clinical testing. Allele origin: germline. Affected: yes.
Comment: Not observed at significant frequency in large population cohorts (gnomAD); In silico analysis supports that this missense variant has a deleterious effect on protein structure/function; Has not been previously published as pathogenic or benign to our knowledge